The following is an entry in ClinVar:

NM_006648.4(WNK2):c.3870G>T (p.Glu1290Asp)

Gene: WNK2 (WNK lysine deficient protein kinase 2; plus strand). Cytogenetic location: 9q22.31.
Variant type: single nucleotide variant.
Coding change: c.3870G>T on transcript NM_006648.4 (MANE Select); coding-DNA position 3870, G replaced by T.
Protein change: p.Glu1290Asp; replaces glutamic acid 1290 with aspartic acid.
Molecular consequence: missense variant.
Genome position (GRCh38, 1-based): chr9:93,268,022, G>T. VCF-style: chr9-93268022-G-T. GRCh37 (hg19) VCF-style: chr9-96030304-G-T.
Other names: c.3870G>T, p.Glu1290Asp (NM_001282394.3); short protein forms E1290D.
Identifiers: ClinVar variation 4844872 (VCV004844872.1).
Genomic context (GRCh38, chr9:93,268,022, plus strand): 5'-CTGGGCAGGTGGGCGCTGCAGCTCAGTGGGCTCATTTCTGACCCTCCACCTCATTCAGGA[G>T]AGCCGACAATCCCAAGCCAACGCCCCCGTGTATCAGCAGAACGGTGAGTCTGCAACTTCC-3'
Protein context (NP_006639.3, residues 1280-1300): LSTCGLGTGE[Glu1290Asp]SRQSQANAPV

ClinVar aggregate classification (germline): Uncertain significance (1 of 4 stars; one submission).

Submission:

Ambry Genetics
Classification: Uncertain significance. Last evaluated: 2026-01-20. Review status: criteria provided, single submitter. Criteria: Ambry Variant Classification Scheme 2023. Collection method: clinical testing. Allele origin: germline.
Comment: The p.E1290D variant (also known as c.3870G>T), located in coding exon 17 of the WNK2 gene, results from a G to T substitution at nucleotide position 3870. The glutamic acid at codon 1290 is replaced by aspartic acid, an amino acid with highly similar properties. This amino acid position is conserved. In addition, this alteration is predicted to be tolerated by in silico analysis. Based on the available evidence, the clinical significance of this variant remains unclear.